The following is an entry in ClinVar:

NM_000088.4(COL1A1):c.2451T>C (p.Pro817=)

Gene: COL1A1 (collagen type I alpha 1 chain; minus strand). Cytogenetic location: 17q21.33.
Variant type: single nucleotide variant.
Coding change: c.2451T>C on transcript NM_000088.4 (MANE Select); coding-DNA position 2451, T replaced by C.
Protein change: p.Pro817=; no amino-acid change (proline 817 retained).
Molecular consequence: synonymous variant.
Genome position (GRCh38, 1-based): chr17:50,190,327, A>G on the plus strand (T>C on the coding strand, the complement: COL1A1 is on the minus strand). VCF-style: chr17-50190327-A-G. GRCh37 (hg19) VCF-style: chr17-48267688-A-G.
Other names: p.Pro817=; c.2451T>C (NM_000088.3).
Identifiers: ClinVar variation 1470264 (VCV001470264.35), dbSNP rs374465457, ClinGen allele CA8644809.

ClinVar aggregate classification (germline): Conflicting classifications of pathogenicity. Review status: criteria provided, conflicting classifications (1 of 4 stars). 6 submissions from 6 submitters: Uncertain significance (5); Likely benign (1). Last evaluated 2026-06-02.

Conditions:
Cardiovascular phenotype. Identifiers: MedGen CN230736.
Osteogenesis imperfecta type I (OI1). Also called: Classic Non-deforming Osteogenesis Imperfecta with Blue Sclerae; Osteogenesis imperfecta type 1; Lobstein's Disease; Lobstein disease; OI, TYPE I; OSTEOGENESIS IMPERFECTA TARDA. Identifiers: Orphanet 216796, Orphanet 666, MedGen C0023931, MONDO:0008146, OMIM 166200. Disease mechanism: loss of function.

Allele frequency attached by ClinVar (database versions not stated): TOPMed 0.00001; gnomAD 0.00002; gnomAD exomes 0.00002 and 0.00003; ExAC 0.00003; ESP Exome Variant Server 0.00008.
gnomAD v4.1: 47 of 1,587,138 alleles (0.003%); highest among the groups gnomAD compares: Non-Finnish European, 0.0038%; no homozygotes.

Submissions (7):

Women's Health and Genetics/Laboratory Corporation of America, LabCorp
Classification: Uncertain significance. Last evaluated: 2026-06-02. Review status: criteria provided, single submitter. Criteria: LabCorp Variant Classification Summary - May 2015. Collection method: clinical testing. Allele origin: germline.
Comment: Variant summary: COL1A1 c.2451T>C (p.Pro817Pro) alters a conserved nucleotide located close to a canonical splice site and therefore could affect mRNA splicing, leading to a significantly altered protein sequence. Consensus agreement among computation tools predict no significant impact on normal splicing. However, these predictions have yet to be confirmed by functional studies. The variant allele was found at a frequency of 1.6e-05 in 249618 control chromosomes. The available data on variant occurrences in the general population are insufficient to allow any conclusion about variant significance. c.2451T>C has been observed in individuals affected with clinical features of Ehlers-Danlos syndrome (Junkiert-Czarnecka_2022). The report does not provide unequivocal conclusions about association of the variant with Osteogenesis imperfecta type I. To our knowledge, no experimental evidence demonstrating an impact on protein function has been reported. The following publication has been ascertained in the context of this evaluation (PMID: 35723357). ClinVar contains an entry for this variant (Variation ID: 1470264). Based on the evidence outlined above, the variant was classified as uncertain significance.

Center for Genomic Medicine, Rigshospitalet, Copenhagen University Hospital
Classification: Uncertain significance. Last evaluated: 2025-12-29. Review status: criteria provided, single submitter. Criteria: ACMG Guidelines, 2015. Collection method: clinical testing. Allele origin: germline.
Comment: Classification criteria: PM2_Supporting

Mayo Clinic Laboratories, Mayo Clinic
Classification: Uncertain significance. Last evaluated: 2025-09-28. Review status: criteria provided, single submitter. Criteria: ACMG Guidelines, 2015. Collection method: clinical testing. Allele origin: germline. Observed: 1 variant allele.
Comment: BP4, BP7

Labcorp Genetics (formerly Invitae), Labcorp
Classification: Uncertain significance for Osteogenesis imperfecta type I. Last evaluated: 2024-10-02. Review status: criteria provided, single submitter. Criteria: Invitae Variant Classification Sherloc (09022015). Collection method: clinical testing. Allele origin: germline.
Comment: This sequence change affects codon 817 of the COL1A1 mRNA. It is a 'silent' change, meaning that it does not change the encoded amino acid sequence of the COL1A1 protein. It affects a nucleotide within the consensus splice site. This variant is present in population databases (rs374465457, gnomAD 0.004%). This variant has been observed in individual(s) with Ehlers-Danlos syndrome (PMID: 35723357). ClinVar contains an entry for this variant (Variation ID: 1470264). Algorithms developed to predict the effect of sequence changes on RNA splicing suggest that this variant is not likely to affect RNA splicing. In summary, the available evidence is currently insufficient to determine the role of this variant in disease. Therefore, it has been classified as a Variant of Uncertain Significance.

Ambry Genetics
Classification: Uncertain significance for Cardiovascular phenotype. Last evaluated: 2024-03-14. Review status: criteria provided, single submitter. Criteria: Ambry Variant Classification Scheme 2023. Collection method: clinical testing. Allele origin: germline.
Comment: The c.2451T>C variant (also known as p.P817P), located in coding exon 35 of the COL1A1 gene, results from a T to C substitution at nucleotide position 2451. This nucleotide substitution does not change the proline at codon 817. However, this change occurs in the last base pair of coding exon 35, which makes it likely to have some effect on normal mRNA splicing. This variant was detected in a proband who met clinical criteria for classic Ehlers-Danlos syndrome, and was also detected in the proband's father with more mild, but similar clinical features (Junkiert-Czarnecka A et al. Curr Issues Mol Biol, 2022 Mar;44:1472-1478). This nucleotide position is well conserved in available vertebrate species. In silico splice site analysis predicts that this alteration will not have any significant effect on splicing. Based on the available evidence, the clinical significance of this alteration remains unclear.

CeGaT Center for Human Genetics Tuebingen
Classification: Likely benign. Last evaluated: 2023-05-01. Review status: criteria provided, single submitter. Criteria: CeGaT Center For Human Genetics Tuebingen Variant Classification Criteria Version 2. Collection method: clinical testing. Allele origin: germline. Affected: yes. Observed: 1 variant allele.
Comment: COL1A1: BP4, BP7

Dr. Peter K. Rogan Lab, Western University
No classification provided (evidence only). Condition: Melanoma. Review status: no classification provided. Collection method: in vitro. Allele origin: not applicable. Functional consequence: retained intron. Not counted in ClinVar's aggregate classification.

Literature cited by the submitters: PubMed 35723357 (cited by 4 submitters).